The following is an entry in ClinVar:

NM_003737.4(DCHS1):c.5851C>T (p.Arg1951Cys)

Gene: DCHS1 (dachsous cadherin-related 1; minus strand). Cytogenetic location: 11p15.4.
Variant type: single nucleotide variant.
Coding change: c.5851C>T on transcript NM_003737.4 (MANE Select); coding-DNA position 5851, C replaced by T.
Protein change: p.Arg1951Cys; replaces arginine 1951 with cysteine.
Molecular consequence: missense variant.
Genome position (GRCh38, 1-based): chr11:6,627,188, G>A on the plus strand (C>T on the coding strand, the complement: DCHS1 is on the minus strand). VCF-style: chr11-6627188-G-A. GRCh37 (hg19) VCF-style: chr11-6648419-G-A.
Other names: short protein forms R1951C.
Identifiers: ClinVar variation 5041206 (VCV005041206.1).

ClinVar aggregate classification (germline): Uncertain significance (1 of 4 stars; one submission).

gnomAD v4.1: 22 of 1,612,836 alleles (0.0014%); highest among the groups gnomAD compares: African/African-American, 0.0067%; no homozygotes.

Submission:

CeGaT Center for Human Genetics Tuebingen
Classification: Uncertain significance. Last evaluated: 2026-09-01. Review status: criteria provided, single submitter. Criteria: CeGaT Center For Human Genetics Tuebingen Variant Classification Criteria Version 2. Collection method: clinical testing. Allele origin: germline. Affected: yes. Observed: 1 variant allele.
Comment: DCHS1: PM2, BP4